The following is an entry in ClinVar:

NM_020166.5(MCCC1):c.1114C>T (p.Gln372Ter)

Gene: MCCC1 (methylcrotonyl-CoA carboxylase subunit 1; minus strand). Cytogenetic location: 3q27.1.
Variant type: single nucleotide variant.
Coding change: c.1114C>T on transcript NM_020166.5 (MANE Select); coding-DNA position 1114, C replaced by T.
Protein change: p.Gln372Ter; replaces glutamine 372 with a stop codon.
Molecular consequence: nonsense. On other transcripts: non-coding transcript variant (2).
Genome position (GRCh38, 1-based): chr3:183,041,720, G>A on the plus strand (C>T on the coding strand, the complement: MCCC1 is on the minus strand). VCF-style: chr3-183041720-G-A. GRCh37 (hg19) VCF-style: chr3-182759508-G-A.
Other names: c.763C>T, p.Gln255Ter (NM_001293273.2); c.787C>T, p.Gln263Ter (NM_001363880.1); short protein forms Q372*, Q263*, Q255*.
Identifiers: ClinVar variation 193913 (VCV000193913.22), dbSNP rs544349961, ClinGen allele CA274959.

ClinVar aggregate classification (germline): Pathogenic. Review status: criteria provided, multiple submitters, no conflicts (2 of 4 stars). 7 submissions from 7 submitters: Pathogenic (7). Last evaluated 2026-01-19.

Conditions:
Methylcrotonyl-CoA carboxylase deficiency. Also called: 3 Methylcrotonylglycinuria; Deficiency of methylcrotonoyl-CoA carboxylase; 3-MCC Deficiency. Identifiers: Orphanet 6, MedGen C4551505, MONDO:0018950.
3-methylcrotonyl-CoA carboxylase 1 deficiency (MCC1D). Also called: MCCD TYPE 1; METHYLCROTONYLGLYCINURIA TYPE I; MCC 1 deficiency; 3 Alpha methylcrotonylglycinuria 1. Identifiers: Orphanet 6, MedGen CN028786, MONDO:0008861, OMIM 210200.

Allele frequency attached by ClinVar (database versions not stated): gnomAD exomes 0.00001 and 0.00002; 1000 Genomes Project 0.00020; gnomAD 0.00005 and 0.00004; 1000 Genomes Project 30x 0.00016; ExAC 0.00001; TOPMed 0.00005.
gnomAD v4.1: 20 of 1,614,144 alleles (0.0012%); highest among the groups gnomAD compares: African/African-American, 0.021%; no homozygotes.

Submissions (7):

Labcorp Genetics (formerly Invitae), Labcorp
Classification: Pathogenic for 3-methylcrotonyl-CoA carboxylase 1 deficiency. Last evaluated: 2026-01-19. Review status: criteria provided, single submitter. Criteria: Invitae Variant Classification Sherloc (09022015). Collection method: clinical testing. Allele origin: germline.
Comment: This sequence change creates a premature translational stop signal (p.Gln372*) in the MCCC1 gene. It is expected to result in an absent or disrupted protein product. Loss-of-function variants in MCCC1 are known to be pathogenic (PMID: 11181649, 15359379, 22642865). This variant is present in population databases (rs544349961, gnomAD 0.03%). This premature translational stop signal has been observed in individual(s) with 3-methylcrotonyl-CoA carboxylase (MCC) deficiency (PMID: 22642865). ClinVar contains an entry for this variant (Variation ID: 193913). For these reasons, this variant has been classified as Pathogenic.

Natera, Inc.
Classification: Pathogenic for 3-methylcrotonyl-CoA carboxylase 1 deficiency. Last evaluated: 2025-09-30. Review status: criteria provided, single submitter. Criteria: Natera Variant Classification Schema (03/2026). Collection method: clinical testing. Allele origin: germline.
Comment: The c.1114C>T variant in MCCC1 is a nonsense variant predicted to introduce a stop codon at amino acid 372. This variant is expected to result in nonsense mediated decay, truncation, or a dysfunctional protein product. This variant is rare in the general population with a frequency below the threshold expected for the associated phenotype(s). This variant has been observed in one or more individuals affected with the associated recessive disease, as either homozygous or compound heterozygous with a second variant (PMID: 25356967). Given the available evidence, this variant is classified as Pathogenic.

Baylor Genetics
Classification: Pathogenic for 3-methylcrotonyl-CoA carboxylase 1 deficiency. Last evaluated: 2024-02-23. Review status: criteria provided, single submitter. Criteria: ACMG Guidelines, 2015. Collection method: clinical testing. Allele origin: unknown.

Women's Health and Genetics/Laboratory Corporation of America, LabCorp
Classification: Pathogenic for Methylcrotonyl-CoA carboxylase deficiency. Last evaluated: 2023-12-14. Review status: criteria provided, single submitter. Criteria: LabCorp Variant Classification Summary - May 2015. Collection method: clinical testing. Allele origin: germline.
Comment: Variant summary: MCCC1 c.1114C>T (p.Gln372X) results in a premature termination codon, predicted to cause absence of the protein due to nonsense mediated decay, which is a commonly known mechanism for disease. The variant allele was found at a frequency of 2.4e-05 in 251408 control chromosomes (gnomAD). c.1114C>T has been reported in the literature in an individuals affected with Methylcrotonyl-CoA Carboxylase Deficiency who was compound heterozygous with another truncating variant (Grunert_2012). The following publication has been ascertained in the context of this evaluation (PMID: 22642865). Four submitters have cited clinical-significance assessments for this variant to ClinVar after 2014. All submitters classified the variant as pathogenic. Based on the evidence outlined above, the variant was classified as pathogenic.

Dasa
Classification: Pathogenic for 3-methylcrotonyl-CoA carboxylase 1 deficiency. Last evaluated: 2022-04-10. Review status: criteria provided, single submitter. Criteria: ACMG Guidelines, 2015. Collection method: clinical testing. Allele origin: germline. Affected: yes. Observed: 1 variant allele.
Comment: The c.1114C>T;p.(Gln372*) variant creates a premature translational stop signal in the MCCC1 gene. It is expected to result in an absent or disrupted protein product -PVS1. This sequence change has been observed in affected individual(s) and ClinVar contains an entry for this variant (ClinVar ID: 193913; PMID: 22642865) -PS4. The variant is present at low allele frequencies population databases (rs544349961 – gnomAD 0.0003944%; ABraOM no frequency) - PM2_supporting. The p.(Gln372*) was detected in trans with a pathogenic variant (PMID: 22642865) - PM3. In summary, the currently available evidence indicates that the variant is pathogenic.

Fulgent Genetics
Classification: Pathogenic for 3-methylcrotonyl-CoA carboxylase 1 deficiency. Last evaluated: 2017-05-18. Review status: criteria provided, single submitter. Criteria: ACMG Guidelines, 2015. Collection method: clinical testing. Allele origin: unknown.

Eurofins Ntd Llc (ga)
Classification: Pathogenic. Last evaluated: 2014-12-08. Review status: criteria provided, single submitter. Criteria: EGL Classification Definitions 2015. Collection method: clinical testing. Allele origin: germline. Observed: 3 variant alleles, 3 heterozygotes.

Literature cited by the submitters: PubMed 11181649 (cited by Labcorp Genetics (formerly Invitae), Labcorp); PubMed 15359379 (cited by Labcorp Genetics (formerly Invitae), Labcorp); PubMed 22642865 (cited by 4 submitters); PubMed 25356967 (cited by Natera, Inc.).